The following is an entry in ClinVar:

NM_015141.4(GPD1L):c.274G>A (p.Val92Met)

Gene: GPD1L (glycerol-3-phosphate dehydrogenase 1 like; plus strand). Cytogenetic location: 3p22.3.
Variant type: single nucleotide variant.
Coding change: c.274G>A on transcript NM_015141.4 (MANE Select); coding-DNA position 274, G replaced by A.
Protein change: p.Val92Met; replaces valine 92 with methionine.
Molecular consequence: missense variant.
Genome position (GRCh38, 1-based): chr3:32,138,635, G>A. VCF-style: chr3-32138635-G-A. GRCh37 (hg19) VCF-style: chr3-32180127-G-A.
Other names: short protein forms V92M.
Identifiers: ClinVar variation 4265542 (VCV004265542.1).
Genomic context (GRCh38, chr3:32,138,635, plus strand): 5'-TTTTGGTTGCAGGTTGCCATGTCAAATCTTAGCGAGGCTGTGCAGGATGCAGACCTGCTG[G>A]TGTTTGTCATTCCCCACCAGTTCATTCACAGAATCTGTGATGAGATCACTGGGAGAGTGC-3'
Protein context (NP_055956.1, residues 82-102): SEAVQDADLL[Val92Met]FVIPHQFIHR

ClinVar aggregate classification (germline): Uncertain significance (1 of 4 stars; one submission).

Conditions:
Cardiovascular phenotype. Identifiers: MedGen CN230736.

gnomAD v4.1: 1 of 1,613,950 alleles (0.000062%); highest among the groups gnomAD compares: Non-Finnish European, 0.000085%; no homozygotes.

Submission:

Ambry Genetics
Classification: Uncertain significance for Cardiovascular phenotype. Last evaluated: 2025-08-20. Review status: criteria provided, single submitter. Criteria: Ambry Variant Classification Scheme 2023. Collection method: clinical testing. Allele origin: germline.
Comment: The p.V92M variant (also known as c.274G>A), located in coding exon 3 of the GPD1L gene, results from a G to A substitution at nucleotide position 274. The valine at codon 92 is replaced by methionine, an amino acid with highly similar properties. This amino acid position is conserved. In addition, the in silico prediction for this alteration is inconclusive. Based on the available evidence, the clinical significance of this variant remains unclear.